The following is an entry in ClinVar:

ClinVar aggregate classification (germline): Uncertain significance (1 of 4 stars; one submission).

Conditions:
Bardet-Biedl syndrome (BBS). Identifiers: Orphanet 110, MedGen C0752166, MONDO:0015229.

Submission:

Labcorp Genetics (formerly Invitae), Labcorp
Classification: Uncertain significance for Bardet-Biedl syndrome. Last evaluated: 2021-08-24. Review status: criteria provided, single submitter. Criteria: Invitae Variant Classification Sherloc (09022015). Collection method: clinical testing. Allele origin: germline.
Comment: This variant, c.660_674del, results in the deletion of 5 amino acid(s) of the BBS9 protein (p.Glu221_Gln225del), but otherwise preserves the integrity of the reading frame. This variant is not present in population databases (ExAC no frequency). This variant has not been reported in the literature in individuals affected with BBS9-related conditions. Experimental studies and prediction algorithms are not available or were not evaluated, and the functional significance of this variant is currently unknown. In summary, the available evidence is currently insufficient to determine the role of this variant in disease. Therefore, it has been classified as a Variant of Uncertain Significance.

NM_198428.3(BBS9):c.660_674del (p.Glu221_Gln225del)

Gene: BBS9 (Bardet-Biedl syndrome 9; plus strand). Cytogenetic location: 7p14.3.
Variant type: Deletion.
Coding change: c.660_674del on transcript NM_198428.3 (MANE Select); coding-DNA positions 660 to 674, 15 bases deleted (GGAGACTGAACAGCA).
Protein change: p.Glu221_Gln225del.
Molecular consequence: inframe deletion. On other transcripts: non-coding transcript variant (3).
Genome position (GRCh38, 1-based): chr7:33,264,332-33,264,346, GGAGACTGAACAGCA deleted; deleting any 15 consecutive bases within chr7:33,264,329-33,264,346 gives the same sequence; the c. name uses the placement nearest the transcript's 3' end. VCF-style (leftmost placement, unchanged base first): chr7-33264328-GGCAGGAGACTGAACA-G. GRCh37 (hg19) VCF-style: chr7-33303940-GGCAGGAGACTGAACA-G.
Other names: c.660_674del, p.Glu221_Gln225del (NM_001033604.2, NM_001033605.2, NM_001348036.1 and 5 more transcripts); c.294_308del, p.Glu99_Gln103del (NM_001348037.3, NM_001348044.3, NM_001348045.3 and 1 more transcripts); c.387_401del, p.Glu130_Gln134del (NM_001348038.3, NM_001348039.3); c.525_539del, p.Glu176_Gln180del (NM_001348042.3).
Identifiers: ClinVar variation 967185 (VCV000967185.7), dbSNP rs1562901016, ClinGen allele CA917977998.
Genomic context (GRCh38, chr7:33,264,328, plus strand): 5'-TTTTTAAATTTCTTTCATACAGGTACCAGGTACTTGCTTTTGCAACAGATGCAGATAAAA[GGCAGGAGACTGAACA>G]GCAAAAACTTGGTTCTGGAAAAAGACTAGTTGTAAGGCCTTTTTTTAATATATAAAAATT-3'